The following is an entry in ClinVar:

ClinVar aggregate classification (germline): Uncertain significance (1 of 4 stars; one submission).

Allele frequency attached by ClinVar (database versions not stated): TOPMed below 0.00001; gnomAD 0.00001; gnomAD exomes 0.00002.
gnomAD v4.1: 20 of 1,613,740 alleles (0.0012%); highest among the groups gnomAD compares: Non-Finnish European, 0.0017%; no homozygotes.

Submission:

Labcorp Genetics (formerly Invitae), Labcorp
Classification: Uncertain significance. Last evaluated: 2024-03-14. Review status: criteria provided, single submitter. Criteria: Invitae Variant Classification Sherloc (09022015). Collection method: clinical testing. Allele origin: germline.
Comment: This sequence change falls in intron 16 of the A2ML1 gene. It does not directly change the encoded amino acid sequence of the A2ML1 protein. It affects a nucleotide within the consensus splice site. This variant is not present in population databases (gnomAD no frequency). This variant has not been reported in the literature in individuals affected with A2ML1-related conditions. Variants that disrupt the consensus splice site are a relatively common cause of aberrant splicing (PMID: 17576681, 9536098). Algorithms developed to predict the effect of sequence changes on RNA splicing suggest that this variant may disrupt the consensus splice site. In summary, the available evidence is currently insufficient to determine the role of this variant in disease. Therefore, it has been classified as a Variant of Uncertain Significance.

Literature cited by the submitters: PubMed 17576681; PubMed 9536098.

NM_144670.6(A2ML1):c.2029-3C>G

Gene: A2ML1 (alpha-2-macroglobulin like 1; plus strand). Cytogenetic location: 12p13.31.
Variant type: single nucleotide variant.
Coding change: c.2029-3C>G on transcript NM_144670.6 (MANE Select); 3 bases into the intron before coding-DNA position 2029, C replaced by G.
Molecular consequence: intron variant.
Genome position (GRCh38, 1-based): chr12:8,849,666, C>G. VCF-style: chr12-8849666-C-G. GRCh37 (hg19) VCF-style: chr12-9002262-C-G.
Other names: c.556-3C>G (NM_001282424.3).
Identifiers: ClinVar variation 2703011 (VCV002703011.3), dbSNP rs1943820416, ClinGen allele CA944549198.
Genomic context (GRCh38, chr12:8,849,666, plus strand): 5'-GGCAGTAGCCCTTGTAGTTGGGGAAGGGACCACCTTAATACTTATTTCTCTGATGCCTAT[C>G]AGGACGTGGGCCTGAAAATACTGTCCAATGCCAAAATCAAGAAGCCAGTAGATTGCAGTC-3'